The following is an entry in ClinVar:

ClinVar aggregate classification (germline): Uncertain significance (1 of 4 stars; one submission).

Conditions:
Hearing impairment. Also called: Impaired Hearing. Identifiers: MedGen C1384666, MONDO:0005365, HP:0000365.

Allele frequency attached by ClinVar (database versions not stated): gnomAD exomes below 0.00001.

Submission:

Department of Otolaryngology – Head & Neck Surgery, Cochlear Implant Center
Classification: Uncertain significance for Hearing impairment. Last evaluated: 2021-04-12. Review status: criteria provided, single submitter. Criteria: ClinGen HL ACMG Specifications v1. Collection method: clinical testing. Allele origin: germline. Affected: yes.
Comment: PM2_Moderate, BP4_Supporting

NM_001122659.3(EDNRB):c.924G>T (p.Gln308His)

Genes: EDNRB (endothelin receptor type B; minus strand), EDNRB-AS1 (EDNRB antisense RNA 1; plus strand). Cytogenetic location: 13q22.3.
Variant type: single nucleotide variant.
Coding change: c.924G>T on transcript NM_001122659.3 (MANE Select); coding-DNA position 924, G replaced by T.
Protein change: p.Gln308His; replaces glutamine 308 with histidine.
Molecular consequence: missense variant.
Genome position (GRCh38, 1-based): chr13:77,901,085, C>A on the plus strand (G>T on the coding strand, the complement: EDNRB is on the minus strand). VCF-style: chr13-77901085-C-A. GRCh37 (hg19) VCF-style: chr13-78475220-C-A.
Other names: c.924G>T, p.Gln308His (NM_000115.5, NM_003991.4); c.1194G>T, p.Gln398His (NM_001201397.2); short protein forms Q308H, Q398H.
Identifiers: ClinVar variation 1065028 (VCV001065028.3), dbSNP rs1878949429, ClinGen allele CA388451936.
Genomic context (GRCh38, chr13:77,901,085, plus strand): 5'-ACCACGAGTTATCAAATATTTGTATTTTCTTACCTGCTTTAGGTGATCATTTAAAGCAAT[C>A]TGCATGCCACTTTTCTTTCTCAACATTTCACAGGTCATTAGTGTATAAAAAAATGCAGTG-3'
Protein context (NP_001116131.1, residues 298-318): CEMLRKKSGM[Gln308His]IALNDHLKQR